The following is an entry in ClinVar:

ClinVar aggregate classification (germline): Uncertain significance (1 of 4 stars; one submission).

Conditions:
NIK deficiency. Also called: Primary immunodeficiency with multifaceted aberrant lymphoid immunity. Identifiers: Orphanet 447731, MedGen C5680065, MONDO:0018642.

Allele frequency attached by ClinVar (database versions not stated): gnomAD exomes below 0.00001.
gnomAD v4.1: 1 of 1,614,000 alleles (0.000062%); highest among the groups gnomAD compares: Admixed American, 0.0017%; no homozygotes.

Submission:

Labcorp Genetics (formerly Invitae), Labcorp
Classification: Uncertain significance for NIK deficiency. Last evaluated: 2019-05-13. Review status: criteria provided, single submitter. Criteria: Invitae Variant Classification Sherloc (09022015). Collection method: clinical testing. Allele origin: germline.
Comment: In summary, the available evidence is currently insufficient to determine the role of this variant in disease. Therefore, it has been classified as a Variant of Uncertain Significance. Algorithms developed to predict the effect of missense changes on protein structure and function output the following: SIFT: "Tolerated"; PolyPhen-2: "Benign"; Align-GVGD: "Class C0". The valine amino acid residue is found in multiple mammalian species, suggesting that this missense change does not adversely affect protein function. These predictions have not been confirmed by published functional studies and their clinical significance is uncertain. This variant has not been reported in the literature in individuals with MAP3K14-related conditions. This variant is not present in population databases (ExAC no frequency). This sequence change replaces alanine with valine at codon 155 of the MAP3K14 protein (p.Ala155Val). The alanine residue is moderately conserved and there is a small physicochemical difference between alanine and valine.

NM_003954.5(MAP3K14):c.464C>T (p.Ala155Val)

Gene: MAP3K14 (mitogen-activated protein kinase kinase kinase 14; minus strand). Cytogenetic location: 17q21.31.
Variant type: single nucleotide variant.
Coding change: c.464C>T on transcript NM_003954.5 (MANE Select); coding-DNA position 464, C replaced by T.
Protein change: p.Ala155Val; replaces alanine 155 with valine.
Molecular consequence: missense variant.
Genome position (GRCh38, 1-based): chr17:45,287,227, G>A on the plus strand (C>T on the coding strand, the complement: MAP3K14 is on the minus strand). VCF-style: chr17-45287227-G-A. GRCh37 (hg19) VCF-style: chr17-43364593-G-A.
Other names: short protein forms A155V.
Identifiers: ClinVar variation 934108 (VCV000934108.8), dbSNP rs2044274532, ClinGen allele CA399890297.